The following is an entry in ClinVar:

NM_006282.5(STK4):c.357A>C (p.Lys119Asn)

Gene: STK4 (serine/threonine kinase 4; plus strand). Cytogenetic location: 20q13.12.
Variant type: single nucleotide variant.
Coding change: c.357A>C on transcript NM_006282.5 (MANE Select); coding-DNA position 357, A replaced by C.
Protein change: p.Lys119Asn; replaces lysine 119 with asparagine.
Molecular consequence: missense variant.
Genome position (GRCh38, 1-based): chr20:44,981,940, A>C. VCF-style: chr20-44981940-A-C. GRCh37 (hg19) VCF-style: chr20-43610581-A-C.
Other names: c.357A>C, p.Lys119Asn (NM_001352385.2); short protein forms K119N.
Identifiers: ClinVar variation 4706884 (VCV004706884.1).

ClinVar aggregate classification (germline): Uncertain significance (1 of 4 stars; one submission).

Conditions:
Combined immunodeficiency due to STK4 deficiency (IMD110). Also called: STK4 DEFICIENCY; MST1 DEFICIENCY; T-cell immunodeficiency, recurrent infections, and autoimmunity with or without cardiac malformations. Identifiers: Orphanet 314689, MedGen C3553943, MONDO:0013934, OMIM 614868.

Submission:

Labcorp Genetics (formerly Invitae), Labcorp
Classification: Uncertain significance for Combined immunodeficiency due to STK4 deficiency. Last evaluated: 2025-10-17. Review status: criteria provided, single submitter. Criteria: Invitae Variant Classification Sherloc (09022015). Collection method: clinical testing. Allele origin: germline.
Comment: This sequence change replaces lysine, which is basic and polar, with asparagine, which is neutral and polar, at codon 119 of the STK4 protein (p.Lys119Asn). This variant is not present in population databases (gnomAD no frequency). This variant has not been reported in the literature in individuals affected with STK4-related conditions. Invitae Evidence Modeling of protein sequence and biophysical properties (such as structural, functional, and spatial information, amino acid conservation, physicochemical variation, residue mobility, and thermodynamic stability) indicates that this missense variant is not expected to disrupt STK4 protein function with a negative predictive value of 95%. In summary, the available evidence is currently insufficient to determine the role of this variant in disease. Therefore, it has been classified as a Variant of Uncertain Significance.